The following is an entry in ClinVar:

NM_022114.4(PRDM16):c.460G>A (p.Glu154Lys)

Gene: PRDM16 (PR/SET domain 16; plus strand). Cytogenetic location: 1p36.32.
Variant type: single nucleotide variant.
Coding change: c.460G>A on transcript NM_022114.4 (MANE Select); coding-DNA position 460, G replaced by A.
Protein change: p.Glu154Lys; replaces glutamic acid 154 with lysine.
Molecular consequence: missense variant.
Genome position (GRCh38, 1-based): chr1:3,385,173, G>A. VCF-style: chr1-3385173-G-A. GRCh37 (hg19) VCF-style: chr1-3301737-G-A.
Other names: c.460G>A, p.Glu154Lys (NM_199454.3); short protein forms E154K.
Identifiers: ClinVar variation 1462662 (VCV001462662.8), dbSNP rs2100606163, ClinGen allele CA338000366.

ClinVar aggregate classification (germline): Uncertain significance (1 of 4 stars; one submission).

Conditions:
Left ventricular noncompaction 8 (LVNC8). Identifiers: Orphanet 154, Orphanet 54260, MedGen C3809288, MONDO:0014152, OMIM 615373.

Submission:

Labcorp Genetics (formerly Invitae), Labcorp
Classification: Uncertain significance for Left ventricular noncompaction 8. Last evaluated: 2022-04-17. Review status: criteria provided, single submitter. Criteria: Invitae Variant Classification Sherloc (09022015). Collection method: clinical testing. Allele origin: germline.
Comment: This variant is not present in population databases (gnomAD no frequency). In summary, the available evidence is currently insufficient to determine the role of this variant in disease. Therefore, it has been classified as a Variant of Uncertain Significance. Algorithms developed to predict the effect of missense changes on protein structure and function (SIFT, PolyPhen-2, Align-GVGD) all suggest that this variant is likely to be tolerated. This variant has not been reported in the literature in individuals affected with PRDM16-related conditions. This sequence change replaces glutamic acid, which is acidic and polar, with lysine, which is basic and polar, at codon 154 of the PRDM16 protein (p.Glu154Lys).